The following is an entry in ClinVar:

NM_001040142.2(SCN2A):c.3782G>A (p.Trp1261Ter)

Gene: SCN2A (sodium voltage-gated channel alpha subunit 2; plus strand). Cytogenetic location: 2q24.3.
Variant type: single nucleotide variant.
Coding change: c.3782G>A on transcript NM_001040142.2 (MANE Select); coding-DNA position 3782, G replaced by A.
Protein change: p.Trp1261Ter; replaces tryptophan 1261 with a stop codon.
Molecular consequence: nonsense.
Genome position (GRCh38, 1-based): chr2:165,370,232, G>A. VCF-style: chr2-165370232-G-A. GRCh37 (hg19) VCF-style: chr2-166226742-G-A.
Other names: c.3782G>A, p.Trp1261Ter (NM_001040143.2, NM_001371246.1, NM_001371247.1 and 1 more transcripts); short protein forms W1261*.
Identifiers: ClinVar variation 1074161 (VCV001074161.9), dbSNP rs1553591818, ClinGen allele CA349028129.

ClinVar aggregate classification (germline): Pathogenic (1 of 4 stars; one submission).

Conditions:
Seizures, benign familial infantile, 3 (BFIS3). Also called: Familial neonatal seizures; CONVULSIONS, BENIGN FAMILIAL INFANTILE, 3. Identifiers: Orphanet 140927, Orphanet 306, MedGen C1843140, MONDO:0011904, OMIM 607745.
Developmental and epileptic encephalopathy, 11 (DEE11). Also called: Early infantile epileptic encephalopathy 11. Identifiers: Orphanet 1934, MedGen C3150987, MONDO:0013388, OMIM 613721.

Submission:

Labcorp Genetics (formerly Invitae), Labcorp
Classification: Pathogenic for Seizures, benign familial infantile, 3; Developmental and epileptic encephalopathy, 11. Last evaluated: 2020-01-21. Review status: criteria provided, single submitter. Criteria: Invitae Variant Classification Sherloc (09022015). Collection method: clinical testing. Allele origin: germline.
Comment: For these reasons, this variant has been classified as Pathogenic. Loss-of-function variants in SCN2A are known to be pathogenic (PMID: 22495306, 23020937, 24650168). This variant has not been reported in the literature in individuals with SCN2A-related conditions. This variant is not present in population databases (ExAC no frequency). This sequence change creates a premature translational stop signal (p.Trp1261*) in the SCN2A gene. It is expected to result in an absent or disrupted protein product.

Literature cited by the submitters: PubMed 22495306; PubMed 23020937; PubMed 24650168.